The following is an entry in ClinVar:

NM_138409.4(MRAP2):c.413T>C (p.Leu138Pro)

Gene: MRAP2 (melanocortin 2 receptor accessory protein 2; plus strand). Cytogenetic location: 6q14.2.
Variant type: single nucleotide variant.
Coding change: c.413T>C on transcript NM_138409.4 (MANE Select); coding-DNA position 413, T replaced by C.
Protein change: p.Leu138Pro; replaces leucine 138 with proline.
Molecular consequence: missense variant.
Genome position (GRCh38, 1-based): chr6:84,089,276, T>C. VCF-style: chr6-84089276-T-C. GRCh37 (hg19) VCF-style: chr6-84798995-T-C.
Other names: c.155T>C, p.Leu52Pro (NM_001346541.2); c.413T>C, p.Leu138Pro (NM_001346542.2, NM_001346544.2); c.248T>C, p.Leu83Pro (NM_001346543.2); c.413T>C (NM_138409.2); short protein forms L138P, L52P, L83P.
Identifiers: ClinVar variation 3354750 (VCV003354750.2).
Genomic context (GRCh38, chr6:84,089,276, plus strand): 5'-GCTACATCAATGAGGTGGAACGCTTGGACAGAGCCAAAGCTTGTCACCAGACCACAGCCC[T>C]TGACAGTGACGTCCAACTCCAGGAAGCCATCAGAAGCAGTGGGCAGCCAGAGGAGGAGCT-3'
Protein context (NP_612418.2, residues 128-148): RAKACHQTTA[Leu138Pro]DSDVQLQEAI

ClinVar aggregate classification (germline): Uncertain significance. Review status: criteria provided, single submitter (1 of 4 stars). 2 submissions from 2 submitters: Uncertain significance (1). 1 of the submissions does not count toward it. Last evaluated 2025-03-22.

Conditions:
MRAP2-related disorder. Also called: MRAP2-related condition.

gnomAD v4.1: 6 of 1,614,052 alleles (0.00037%); highest among the groups gnomAD compares: Admixed American, 0.0017%; no homozygotes.

Submissions (2):

Ambry Genetics
Classification: Uncertain significance. Last evaluated: 2025-03-22. Review status: criteria provided, single submitter. Criteria: Ambry Variant Classification Scheme 2023. Collection method: clinical testing. Allele origin: germline.

PreventionGenetics, part of Exact Sciences
Classification: Uncertain significance for MRAP2-related condition. Last evaluated: 2024-01-31. Review status: no assertion criteria provided. Collection method: clinical testing. Allele origin: germline. Not counted in ClinVar's aggregate classification.
Comment: The MRAP2 c.413T>C variant is predicted to result in the amino acid substitution p.Leu138Pro. To our knowledge, this variant has not been reported in the literature or in a large population database, indicating this variant is rare. At this time, the clinical significance of this variant is uncertain due to the absence of conclusive functional and genetic evidence.